The following is an entry in ClinVar:

ClinVar aggregate classification (germline): Uncertain significance (1 of 4 stars; one submission).

Conditions:
Cardiovascular phenotype. Identifiers: MedGen CN230736.

Submission:

Ambry Genetics
Classification: Uncertain significance for Cardiovascular phenotype. Last evaluated: 2023-07-27. Review status: criteria provided, single submitter. Criteria: Ambry Variant Classification Scheme 2023. Collection method: clinical testing. Allele origin: germline.
Comment: The p.F648C variant (also known as c.1943T>G), located in coding exon 1 of the ZNF469 gene, results from a T to G substitution at nucleotide position 1943. The phenylalanine at codon 648 is replaced by cysteine, an amino acid with highly dissimilar properties. This amino acid position is conserved. In addition, this alteration is predicted to be tolerated by in silico analysis. Since supporting evidence is limited at this time, the clinical significance of this alteration remains unclear.

NM_001367624.2(ZNF469):c.1943T>G (p.Phe648Cys)

Gene: ZNF469 (zinc finger protein 469; plus strand). Cytogenetic location: 16q24.2.
Variant type: single nucleotide variant.
Coding change: c.1943T>G on transcript NM_001367624.2 (MANE Select); coding-DNA position 1943, T replaced by G.
Protein change: p.Phe648Cys; replaces phenylalanine 648 with cysteine.
Molecular consequence: missense variant.
Genome position (GRCh38, 1-based): chr16:88,429,413, T>G. VCF-style: chr16-88429413-T-G. GRCh37 (hg19) VCF-style: chr16-88495821-T-G.
Other names: NM_001127464.1:c.1943T>G; short protein forms F648C.
Identifiers: ClinVar variation 2624541 (VCV002624541.2), dbSNP rs2507576763, ClinGen allele CA397069279.